The following is an entry in ClinVar:

ClinVar aggregate classification (germline): Uncertain significance (1 of 4 stars; one submission).

Conditions:
Inborn genetic diseases. Identifiers: MedGen C0950123, MeSH D030342.

Submission:

Ambry Genetics
Classification: Uncertain significance for Inborn genetic diseases. Last evaluated: 2025-07-16. Review status: criteria provided, single submitter. Criteria: Ambry Variant Classification Scheme 2023. Collection method: clinical testing. Allele origin: germline.
Comment: The p.I1058V variant (also known as c.3172A>G), located in coding exon 20 of the PIK3CA gene, results from an A to G substitution at nucleotide position 3172. The isoleucine at codon 1058 is replaced by valine, an amino acid with highly similar properties. This amino acid position is conserved. In addition, the in silico prediction for this alteration is inconclusive. Based on the available evidence, the clinical significance of this variant remains unclear.

NM_006218.4(PIK3CA):c.3172A>G (p.Ile1058Val)

Gene: PIK3CA (phosphatidylinositol-4,5-bisphosphate 3-kinase catalytic subunit alpha; plus strand). Cytogenetic location: 3q26.32.
Variant type: single nucleotide variant.
Coding change: c.3172A>G on transcript NM_006218.4 (MANE Select); coding-DNA position 3172, A replaced by G.
Protein change: p.Ile1058Val; replaces isoleucine 1058 with valine.
Molecular consequence: missense variant.
Genome position (GRCh38, 1-based): chr3:179,234,329, A>G. VCF-style: chr3-179234329-A-G. GRCh37 (hg19) VCF-style: chr3-178952117-A-G.
Other names: short protein forms I1058V.
Identifiers: ClinVar variation 4136786 (VCV004136786.1).